The following is an entry in ClinVar:

NM_018685.5(ANLN):c.1545G>A (p.Thr515=)

Gene: ANLN (anillin, actin binding protein; plus strand). Cytogenetic location: 7p14.2.
Variant type: single nucleotide variant.
Coding change: c.1545G>A on transcript NM_018685.5 (MANE Select); coding-DNA position 1545, G replaced by A.
Protein change: p.Thr515=; no amino-acid change (threonine 515 retained).
Molecular consequence: synonymous variant. On other transcripts: intron variant (2).
Genome position (GRCh38, 1-based): chr7:36,417,102, G>A. VCF-style: chr7-36417102-G-A. GRCh37 (hg19) VCF-style: chr7-36456711-G-A.
Other names: c.1522+1218G>A (NM_001284301.3, NM_001284302.3); c.1545G>A (NM_018685.4).
Identifiers: ClinVar variation 1144804 (VCV001144804.10), dbSNP rs139579665, ClinGen allele CA4219647.

ClinVar aggregate classification (germline): Conflicting classifications of pathogenicity. Review status: criteria provided, conflicting classifications (1 of 4 stars). 3 submissions from 3 submitters: Uncertain significance (1); Likely benign (2). Last evaluated 2025-08-26.

Allele frequency attached by ClinVar (database versions not stated): ExAC 0.00013; 1000 Genomes Project 0.00020; gnomAD exomes 0.00020; TOPMed 0.00025; 1000 Genomes Project 30x 0.00031; ESP Exome Variant Server 0.00031.
gnomAD v4.1: 429 of 1,603,388 alleles (0.027%); highest among the groups gnomAD compares: Non-Finnish European, 0.032%; no homozygotes.

Submissions (3):

Labcorp Genetics (formerly Invitae), Labcorp
Classification: Likely benign. Last evaluated: 2025-08-26. Review status: criteria provided, single submitter. Criteria: Invitae Variant Classification Sherloc (09022015). Collection method: clinical testing. Allele origin: germline.

Blueprint Genetics
Classification: Likely benign. Last evaluated: 2024-09-04. Review status: criteria provided, single submitter. Criteria: ACMG Guidelines, 2015. Collection method: clinical testing. Allele origin: germline.

GeneDx
Classification: Uncertain significance. Last evaluated: 2023-02-14. Review status: criteria provided, single submitter. Criteria: GeneDx Variant Classification Process June 2021. Collection method: clinical testing. Allele origin: germline. Affected: yes.
Comment: In silico analysis is inconclusive as to whether the variant alters gene splicing. In the absence of RNA/functional studies, the actual effect of this sequence change is unknown.; Has not been previously published as pathogenic or benign to our knowledge